The following is an entry in ClinVar:

NM_000069.3(CACNA1S):c.4474G>A (p.Ala1492Thr)

Gene: CACNA1S (calcium voltage-gated channel subunit alpha1 S; minus strand). Cytogenetic location: 1q32.1.
Variant type: single nucleotide variant.
Coding change: c.4474G>A on transcript NM_000069.3 (MANE Select); coding-DNA position 4474, G replaced by A.
Protein change: p.Ala1492Thr; replaces alanine 1492 with threonine.
Molecular consequence: missense variant.
Genome position (GRCh38, 1-based): chr1:201,047,594, C>T on the plus strand (G>A on the coding strand, the complement: CACNA1S is on the minus strand). VCF-style: chr1-201047594-C-T. GRCh37 (hg19) VCF-style: chr1-201016722-C-T.
Other names: short protein forms A1492T.
Identifiers: ClinVar variation 3484071 (VCV003484071.2).

ClinVar aggregate classification (germline): Uncertain significance. Review status: criteria provided, multiple submitters, no conflicts (2 of 4 stars). 2 submissions from 2 submitters: Uncertain significance (2). Last evaluated 2025-07-07.

Conditions:
Malignant hyperthermia, susceptibility to, 5 (MHS5). Also called: CACNA1S-Related Malignant Hyperthermia Susceptibility. Identifiers: Orphanet 423, MedGen C1866077, MONDO:0011163, OMIM 601887.
Inborn genetic diseases. Identifiers: MedGen C0950123, MeSH D030342.

gnomAD v4.1: 2 of 1,614,080 alleles (0.00012%); highest among the groups gnomAD compares: Non-Finnish European, 0.00017%; no homozygotes.

Submissions (2):

Color Diagnostics, LLC DBA Color Health
Classification: Uncertain significance for Malignant hyperthermia, susceptibility to, 5. Last evaluated: 2025-07-07. Review status: criteria provided, single submitter. Criteria: ACMG Guidelines, 2015. Collection method: clinical testing. Allele origin: germline.
Comment: This missense variant replaces alanine with threonine at codon 1492 of the CACNA1S protein. Computational prediction suggests that this variant may not impact protein structure and function. To our knowledge, functional studies have not been reported for this variant. This variant has not been reported in individuals affected with CACNA1S-related disorders in the literature. This variant has not been identified in the general population by the Genome Aggregation Database (gnomAD). The available evidence is insufficient to determine the role of this variant in disease conclusively. Therefore, this variant is classified as a Variant of Uncertain Significance.

Ambry Genetics
Classification: Uncertain significance for Inborn genetic diseases. Last evaluated: 2024-08-20. Review status: criteria provided, single submitter. Criteria: Ambry Variant Classification Scheme 2023. Collection method: clinical testing. Allele origin: germline.